The following is an entry in ClinVar:

ClinVar aggregate classification (germline): Uncertain significance (1 of 4 stars; one submission).

Conditions:
Mucopolysaccharidosis, MPS-III-A (MPS3A). Also called: HEPARAN SULFATE SULFATASE DEFICIENCY; SANFILIPPO SYNDROME A; SULFAMIDASE DEFICIENCY; MPS III A; MUCOPOLYSACCHARIDOSIS, TYPE IIIA, ATTENUATED; Mucopolysaccharidosis type IIIA (Sanfilippo A). Identifiers: Orphanet 581, Orphanet 79269, MedGen C0086647, MONDO:0009655, OMIM 252900.

Submission:

Labcorp Genetics (formerly Invitae), Labcorp
Classification: Uncertain significance for Mucopolysaccharidosis, MPS-III-A. Last evaluated: 2026-01-26. Review status: criteria provided, single submitter. Criteria: Invitae Variant Classification Sherloc (09022015). Collection method: clinical testing. Allele origin: germline.
Comment: This sequence change replaces glutamine, which is neutral and polar, with histidine, which is basic and polar, at codon 83 of the SGSH protein (p.Gln83His). This variant also falls at the last nucleotide of exon 2, which is part of the consensus splice site for this exon. This variant is not present in population databases (gnomAD no frequency). This missense change has been observed in individual(s) with clinical features of SGSH-related conditions (internal data). Invitae Evidence Modeling of protein sequence and biophysical properties (such as structural, functional, and spatial information, amino acid conservation, physicochemical variation, residue mobility, and thermodynamic stability) indicates that this missense variant is expected to disrupt SGSH protein function with a positive predictive value of 95%. Variants that disrupt the consensus splice site are a relatively common cause of aberrant splicing (PMID: 17576681, 9536098). Algorithms developed to predict the effect of sequence changes on RNA splicing suggest that this variant may disrupt the consensus splice site. In summary, the available evidence is currently insufficient to determine the role of this variant in disease. Therefore, it has been classified as a Variant of Uncertain Significance.

Literature cited by the submitters: PubMed 17576681; PubMed 9536098.

NM_000199.5(SGSH):c.249G>T (p.Gln83His)

Gene: SGSH (N-sulfoglucosamine sulfohydrolase; minus strand). Cytogenetic location: 17q25.3.
Variant type: single nucleotide variant.
Coding change: c.249G>T on transcript NM_000199.5 (MANE Select); coding-DNA position 249, G replaced by T.
Protein change: p.Gln83His; replaces glutamine 83 with histidine.
Molecular consequence: missense variant. On other transcripts: non-coding transcript variant (1).
Genome position (GRCh38, 1-based): chr17:80,217,032, C>A on the plus strand (G>T on the coding strand, the complement: SGSH is on the minus strand). VCF-style: chr17-80217032-C-A. GRCh37 (hg19) VCF-style: chr17-78190831-C-A.
Other names: c.249G>T, p.Gln83His (NM_001352921.3, NM_001352922.2); short protein forms Q83H.
Identifiers: ClinVar variation 4709935 (VCV004709935.1).